The following is an entry in ClinVar:

NM_001364171.2(ODAD1):c.812G>A (p.Arg271Gln)

Gene: ODAD1 (outer dynein arm docking complex subunit 1; minus strand). Cytogenetic location: 19q13.33.
Variant type: single nucleotide variant.
Coding change: c.812G>A on transcript NM_001364171.2 (MANE Select); coding-DNA position 812, G replaced by A.
Protein change: p.Arg271Gln; replaces arginine 271 with glutamine.
Molecular consequence: missense variant.
Genome position (GRCh38, 1-based): chr19:48,303,994, C>T on the plus strand (G>A on the coding strand, the complement: ODAD1 is on the minus strand). VCF-style: chr19-48303994-C-T. GRCh37 (hg19) VCF-style: chr19-48807251-C-T.
Other names: c.701G>A, p.Arg234Gln (NM_144577.4); short protein forms R234Q, R271Q.
Identifiers: ClinVar variation 947776 (VCV000947776.11), dbSNP rs776898770, ClinGen allele CA9548956.

ClinVar aggregate classification (germline): Uncertain significance. Review status: criteria provided, multiple submitters, no conflicts (2 of 4 stars). 2 submissions from 2 submitters: Uncertain significance (2). Last evaluated 2025-10-01.

Conditions:
Primary ciliary dyskinesia. Also called: Ciliary dyskinesia. Identifiers: Orphanet 244, MedGen C0008780, MONDO:0016575, HP:0012265.

Allele frequency attached by ClinVar (database versions not stated): TOPMed 0.00001; ExAC 0.00002; gnomAD exomes 0.00003.
gnomAD v4.1: 41 of 1,614,096 alleles (0.0025%); highest among the groups gnomAD compares: Admixed American, 0.012%; no homozygotes.

Submissions (2):

Labcorp Genetics (formerly Invitae), Labcorp
Classification: Uncertain significance for Primary ciliary dyskinesia. Last evaluated: 2025-10-01. Review status: criteria provided, single submitter. Criteria: Invitae Variant Classification Sherloc (09022015). Collection method: clinical testing. Allele origin: germline.
Comment: This sequence change replaces arginine, which is basic and polar, with glutamine, which is neutral and polar, at codon 234 of the CCDC114 protein (p.Arg234Gln). This variant is present in population databases (rs776898770, gnomAD 0.01%). This variant has not been reported in the literature in individuals affected with CCDC114-related conditions. ClinVar contains an entry for this variant (Variation ID: 947776). An algorithm developed to predict the effect of missense changes on protein structure and function (PolyPhen-2) suggests that this variant is likely to be disruptive. In summary, the available evidence is currently insufficient to determine the role of this variant in disease. Therefore, it has been classified as a Variant of Uncertain Significance.

Ambry Genetics
Classification: Uncertain significance for Primary ciliary dyskinesia. Last evaluated: 2025-06-03. Review status: criteria provided, single submitter. Criteria: Ambry Variant Classification Scheme 2023. Collection method: clinical testing. Allele origin: germline.